The following is an entry in ClinVar:

ClinVar aggregate classification (germline): Likely pathogenic (1 of 4 stars; one submission).

Conditions:
Postaxial polydactyly-anterior pituitary anomalies-facial dysmorphism syndrome. Also called: Culler-Jones syndrome. Identifiers: Orphanet 420584, MedGen C4014479, MONDO:0014369, OMIM 615849.
Holoprosencephaly 9 (HPE9). Also called: PITUITARY ANOMALIES WITH HOLOPROSENCEPHALY-LIKE FEATURES; HOLOPROSENCEPHALY WITH MICROPHTHALMIA AND FIRST BRANCHIAL ARCH ANOMALIES. Identifiers: Orphanet 2162, MedGen C1835819, MONDO:0012563, OMIM 610829.

Submission:

Juno Genomics, Hangzhou Juno Genomics, Inc
Classification: Likely pathogenic for Postaxial polydactyly-anterior pituitary anomalies-facial dysmorphism syndrome; Holoprosencephaly 9. Review status: criteria provided, single submitter. Criteria: ACMG Guidelines, 2015. Collection method: clinical testing. Allele origin: germline.
Comment: Absent from controls (or at extremely low frequency if recessive) in Genome Aggregation Database.;Null variant in a gene where loss of function (LOF) is a known mechanism of disease.

NM_001374353.1(GLI2):c.693_696dup (p.Leu233fs)

Gene: GLI2 (GLI family zinc finger 2; plus strand). Cytogenetic location: 2q14.2.
Variant type: Duplication.
Coding change: c.693_696dup on transcript NM_001374353.1 (MANE Select); coding-DNA positions 693 to 696, 4 bases duplicated (GGCG; older notation c.693_696dupGGCG).
Protein change: p.Leu233fs; shifts the reading frame from leucine 233.
Molecular consequence: frameshift variant.
Genome position (GRCh38, 1-based): chr2:120,968,763-120,968,766, GGCG duplicated; duplicating any 4 consecutive bases within chr2:120,968,760-120,968,766 gives the same sequence; the c. name uses the placement nearest the transcript's 3' end. VCF-style (leftmost placement, unchanged base first): chr2-120968759-A-AGCGG. GRCh37 (hg19) VCF-style: chr2-121726335-A-AGCGG.
Other names: c.318_321dup, p.Leu108fs (NM_001374354.1); c.693_696dup, p.Leu233fs (NM_005270.5, NM_001371271.1); short protein forms L108fs, L233fs.
Identifiers: ClinVar variation 3382280 (VCV003382280.3).